The following is an entry in ClinVar:

ClinVar aggregate classification (germline): Uncertain significance (1 of 4 stars; one submission).

Conditions:
Hereditary cancer-predisposing syndrome. Also called: Neoplastic Syndromes, Hereditary; Tumor predisposition; Hereditary neoplastic syndrome; Hereditary Cancer Syndrome. Identifiers: Orphanet 140162, MedGen C0027672, MeSH D009386, MONDO:0015356.

Submission:

Ambry Genetics
Classification: Uncertain significance for Hereditary cancer-predisposing syndrome. Last evaluated: 2023-12-13. Review status: criteria provided, single submitter. Criteria: Ambry Variant Classification Scheme 2023. Collection method: clinical testing. Allele origin: germline.
Comment: The p.L579H variant (also known as c.1736T>A), located in coding exon 9 of the MEN1 gene, results from a T to A substitution at nucleotide position 1736. The leucine at codon 579 is replaced by histidine, an amino acid with similar properties. This amino acid position is conserved. In addition, this alteration is predicted to be deleterious by in silico analysis. Since supporting evidence is limited at this time, the clinical significance of this alteration remains unclear.

NM_001370259.2(MEN1):c.1736T>A (p.Leu579His)

Gene: MEN1 (menin 1; minus strand). Cytogenetic location: 11q13.1.
Variant type: single nucleotide variant.
Coding change: c.1736T>A on transcript NM_001370259.2 (MANE Select); coding-DNA position 1736, T replaced by A.
Protein change: p.Leu579His; replaces leucine 579 with histidine.
Molecular consequence: missense variant. On other transcripts: non-coding transcript variant (4).
Genome position (GRCh38, 1-based): chr11:64,804,431, A>T on the plus strand (T>A on the coding strand, the complement: MEN1 is on the minus strand). VCF-style: chr11-64804431-A-T. GRCh37 (hg19) VCF-style: chr11-64571903-A-T.
Other names: c.1751T>A, p.Leu584His (NM_000244.4, NM_001407145.1, NM_130800.3 and 4 more transcripts); c.1862T>A, p.Leu621His (NM_001370251.2, NM_001407142.1, NM_001407143.1 and 1 more transcripts); c.1736T>A, p.Leu579His (NM_001370260.2, NM_001370261.2, NM_001407146.1 and 2 more transcripts); c.1631T>A, p.Leu544His (NM_001370262.2, NM_001370263.2, NM_001407148.1 and 1 more transcripts); c.1877T>A, p.Leu626His (NM_001407150.1); c.1757T>A, p.Leu586His (NM_001407151.1); c.1571T>A, p.Leu524His (NM_001407152.1); short protein forms L524H, L544H, L579H, L584H, L586H, L621H, L626H.
Identifiers: ClinVar variation 3229080 (VCV003229080.1), dbSNP rs2497102858, ClinGen allele CA381177516.